The following is an entry in ClinVar:

ClinVar aggregate classification (germline): Uncertain significance (1 of 4 stars; one submission).

Submission:

Labcorp Genetics (formerly Invitae), Labcorp
Classification: Uncertain significance. Last evaluated: 2022-03-17. Review status: criteria provided, single submitter. Criteria: Invitae Variant Classification Sherloc (09022015). Collection method: clinical testing. Allele origin: germline.
Comment: In summary, the available evidence is currently insufficient to determine the role of this variant in disease. Therefore, it has been classified as a Variant of Uncertain Significance. Algorithms developed to predict the effect of missense changes on protein structure and function are either unavailable or do not agree on the potential impact of this missense change (SIFT: "Tolerated"; PolyPhen-2: "Probably Damaging"; Align-GVGD: "Class C0"). This variant has not been reported in the literature in individuals affected with RLBP1-related conditions. This variant is not present in population databases (gnomAD no frequency). This sequence change replaces asparagine, which is neutral and polar, with lysine, which is basic and polar, at codon 53 of the RLBP1 protein (p.Asn53Lys).

NM_000326.5(RLBP1):c.159C>A (p.Asn53Lys)

Gene: RLBP1 (retinaldehyde binding protein 1; minus strand). Cytogenetic location: 15q26.1.
Variant type: single nucleotide variant.
Coding change: c.159C>A on transcript NM_000326.5 (MANE Select); coding-DNA position 159, C replaced by A.
Protein change: p.Asn53Lys; replaces asparagine 53 with lysine.
Molecular consequence: missense variant.
Genome position (GRCh38, 1-based): chr15:89,217,307, G>T on the plus strand (C>A on the coding strand, the complement: RLBP1 is on the minus strand). VCF-style: chr15-89217307-G-T. GRCh37 (hg19) VCF-style: chr15-89760538-G-T.
Other names: short protein forms N53K.
Identifiers: ClinVar variation 2106093 (VCV002106093.4), dbSNP rs1173055601, ClinGen allele CA393731237.
Genomic context (GRCh38, chr15:89,217,307, plus strand): 5'-CTGCGCCTGCACCATCTCCTGCAGCTCTCGCACTGCCTCCTCCCGGGTCTCCTCTCTCTC[G>T]TTCAGCTCATCCTTGGCCTAGAACAGGGTGGGGTGTGCATGAAGTTAAACTTAGGTGCGG-3'
Protein context (NP_000317.1, residues 43-63): HTLQKAKDEL[Asn53Lys]EREETREEAV